The following is an entry in ClinVar:

ClinVar aggregate classification (germline): Conflicting classifications of pathogenicity. Review status: criteria provided, conflicting classifications (1 of 4 stars). 2 submissions from 2 submitters: Uncertain significance (1); Benign (1). Last evaluated 2025-09-15.

Conditions:
Inborn genetic diseases. Identifiers: MedGen C0950123, MeSH D030342.
Early-infantile DEE. Also called: Early infantile epileptic encephalopathy; Ohtahara syndrome; Early infantile epileptic encephalopathy with suppression bursts. Identifiers: Orphanet 1934, MedGen C0393706, MONDO:0800491.

Allele frequency attached by ClinVar (database versions not stated): TOPMed 0.00002.
gnomAD v4.1: 56 of 1,614,046 alleles (0.0035%); highest among the groups gnomAD compares: Admixed American, 0.0067%; no homozygotes.

Submissions (2):

Labcorp Genetics (formerly Invitae), Labcorp
Classification: Benign for Early-infantile DEE. Last evaluated: 2025-09-15. Review status: criteria provided, single submitter. Criteria: Invitae Variant Classification Sherloc (09022015). Collection method: clinical testing. Allele origin: germline.

Ambry Genetics
Classification: Uncertain significance for Inborn genetic diseases. Last evaluated: 2016-05-17. Review status: criteria provided, single submitter. Criteria: Ambry Variant Classification Scheme 2023. Collection method: clinical testing. Allele origin: germline.
Comment: The p.P879T variant (also known as c.2635C>A), located in coding exon 8 of the HCN1 gene, results from a C to A substitution at nucleotide position 2635. The proline at codon 879 is replaced by threonine, an amino acid with highly similar properties. This variant was not reported in population based cohorts in the following databases: Database of Single Nucleotide Polymorphisms (dbSNP), NHLBI Exome Sequencing Project (ESP), and 1000 Genomes Project. In the ESP, this variant was not observed in 6503 samples (13006 alleles) with coverage at this position. This amino acid position is not conserved however, threonine is a reference amino acid in several species. In addition, this alteration is predicted to be tolerated by in silico analysis. Since supporting evidence is limited at this time, the clinical significance of this variant remains unclear.

NM_021072.4(HCN1):c.2635C>A (p.Pro879Thr)

Gene: HCN1 (hyperpolarization activated cyclic nucleotide gated potassium channel 1; minus strand). Cytogenetic location: 5p12.
Variant type: single nucleotide variant.
Coding change: c.2635C>A on transcript NM_021072.4 (MANE Select); coding-DNA position 2635, C replaced by A.
Protein change: p.Pro879Thr; replaces proline 879 with threonine.
Molecular consequence: missense variant.
Genome position (GRCh38, 1-based): chr5:45,261,959, G>T on the plus strand (C>A on the coding strand, the complement: HCN1 is on the minus strand). VCF-style: chr5-45261959-G-T. GRCh37 (hg19) VCF-style: chr5-45262061-G-T.
Other names: short protein forms P879T.
Identifiers: ClinVar variation 587861 (VCV000587861.15), dbSNP rs761866949, ClinGen allele CA3259070.